The following is an entry in ClinVar:

ClinVar aggregate classification (germline): Pathogenic (1 of 4 stars; one submission).

Submission:

Labcorp Genetics (formerly Invitae), Labcorp
Classification: Pathogenic. Last evaluated: 2021-08-27. Review status: criteria provided, single submitter. Criteria: Invitae Variant Classification Sherloc (09022015). Collection method: clinical testing. Allele origin: germline.
Comment: For these reasons, this variant has been classified as Pathogenic. This variant has not been reported in the literature in individuals affected with SLC26A4-related conditions. This variant is not present in population databases (ExAC no frequency). This sequence change creates a premature translational stop signal (p.Ser190Valfs*3) in the SLC26A4 gene. It is expected to result in an absent or disrupted protein product. Loss-of-function variants in SLC26A4 are known to be pathogenic (PMID: 16283880, 25394566, 26252218, 26445815).

Literature cited by the submitters: PubMed 16283880; PubMed 25394566; PubMed 26252218; PubMed 26445815.

NM_000441.2(SLC26A4):c.567del (p.Ser190fs)

Gene: SLC26A4 (solute carrier family 26 member 4; plus strand). Cytogenetic location: 7q22.3.
Variant type: Deletion.
Coding change: c.567del on transcript NM_000441.2 (MANE Select); coding-DNA position 567, one base deleted (C; older notation c.567delC).
Protein change: p.Ser190fs; shifts the reading frame from serine 190.
Molecular consequence: frameshift variant.
Genome position (GRCh38, 1-based): chr7:107,674,315, C deleted; the last of 2 consecutive C bases (chr7:107,674,314-107,674,315); deleting either gives the same sequence. VCF-style (leftmost placement, unchanged base first): chr7-107674313-GC-G. GRCh37 (hg19) VCF-style: chr7-107314758-GC-G.
Other names: short protein forms S190fs.
Identifiers: ClinVar variation 1425768 (VCV001425768.6), dbSNP rs1790959315, ClinGen allele CA1105627796.